The following is an entry in ClinVar:

ClinVar aggregate classification (germline): Conflicting classifications of pathogenicity. Review status: criteria provided, conflicting classifications (1 of 4 stars). 4 submissions from 4 submitters: Uncertain significance (3); Likely benign (1). Last evaluated 2025-10-09.

Conditions:
Neurodevelopmental disorder with or without hyperkinetic movements and seizures, autosomal dominant. Also called: Intellectual disability, autosomal dominant 8. Identifiers: MedGen C3280282, MONDO:0013655, OMIM 614254.

Allele frequency attached by ClinVar (database versions not stated): gnomAD exomes 0.00002 and 0.00003; ExAC 0.00003; gnomAD 0.00003 and 0.00004; TOPMed 0.00003; ESP Exome Variant Server 0.00015.
gnomAD v4.1: 34 of 1,613,192 alleles (0.0021%); highest among the groups gnomAD compares: East Asian, 0.0022%; no homozygotes.

Submissions (4):

Labcorp Genetics (formerly Invitae), Labcorp
Classification: Uncertain significance for Neurodevelopmental disorder with or without hyperkinetic movements and seizures, autosomal dominant. Last evaluated: 2025-10-09. Review status: criteria provided, single submitter. Criteria: Invitae Variant Classification Sherloc (09022015). Collection method: clinical testing. Allele origin: germline.
Comment: This sequence change replaces arginine, which is basic and polar, with histidine, which is basic and polar, at codon 359 of the GRIN1 protein (p.Arg359His). This variant is present in population databases (rs141704101, gnomAD 0.02%). This variant has not been reported in the literature in individuals affected with GRIN1-related conditions. ClinVar contains an entry for this variant (Variation ID: 513769). Invitae Evidence Modeling of protein sequence and biophysical properties (such as structural, functional, and spatial information, amino acid conservation, physicochemical variation, residue mobility, and thermodynamic stability) has been performed for this missense variant. However, the output from this modeling did not meet the statistical confidence thresholds required to predict the impact of this variant on GRIN1 protein function. In summary, the available evidence is currently insufficient to determine the role of this variant in disease. Therefore, it has been classified as a Variant of Uncertain Significance.

CeGaT Center for Human Genetics Tuebingen
Classification: Uncertain significance. Last evaluated: 2024-01-01. Review status: criteria provided, single submitter. Criteria: CeGaT Center For Human Genetics Tuebingen Variant Classification Criteria Version 2. Collection method: clinical testing. Allele origin: germline. Affected: yes. Observed: 1 variant allele.
Comment: GRIN1: PM2, PP2

Institute for Clinical Genetics, University Hospital TU Dresden, University Hospital TU Dresden
Classification: Uncertain significance. Last evaluated: 2021-05-26. Review status: criteria provided, single submitter. Criteria: ACMG Guidelines, 2015. Collection method: clinical testing. Allele origin: paternal.

GeneDx
Classification: Likely benign. Last evaluated: 2017-12-07. Review status: criteria provided, single submitter. Criteria: GeneDx Variant Classification (06012015). Collection method: clinical testing. Allele origin: germline. Affected: yes.
Comment: This variant is considered likely benign or benign based on one or more of the following criteria: it is a conservative change, it occurs at a poorly conserved position in the protein, it is predicted to be benign by multiple in silico algorithms, and/or has population frequency not consistent with disease.

NM_007327.4(GRIN1):c.1076G>A (p.Arg359His)

Gene: GRIN1 (glutamate ionotropic receptor NMDA type subunit 1; plus strand). Cytogenetic location: 9q34.3.
Variant type: single nucleotide variant.
Coding change: c.1076G>A on transcript NM_007327.4 (MANE Select); coding-DNA position 1076, G replaced by A.
Protein change: p.Arg359His; replaces arginine 359 with histidine.
Molecular consequence: missense variant.
Genome position (GRCh38, 1-based): chr9:137,158,486, G>A. VCF-style: chr9-137158486-G-A. GRCh37 (hg19) VCF-style: chr9-140052938-G-A.
Other names: c.1076G>A, p.Arg359His (NM_000832.7, NM_021569.4); c.1139G>A, p.Arg380His (NM_001185090.2, NM_001185091.2); short protein forms R359H, R380H.
Identifiers: ClinVar variation 513769 (VCV000513769.31), dbSNP rs141704101, ClinGen allele CA5360823.